The following is an entry in ClinVar:

NM_000306.4(POU1F1):c.495_496del (p.Phe165fs)

Gene: POU1F1 (POU class 1 homeobox 1; minus strand). Cytogenetic location: 3p11.2.
Variant type: Deletion.
Coding change: c.495_496del on transcript NM_000306.4 (MANE Select); coding-DNA positions 495 to 496, 2 bases deleted (CA; older notation c.495_496delCA).
Protein change: p.Phe165fs; shifts the reading frame from phenylalanine 165.
Molecular consequence: frameshift variant.
Genome position (GRCh38, 1-based): chr3:87,262,179-87,262,180, TG deleted on the plus strand (CA on the coding strand, the reverse complement: POU1F1 is on the minus strand). VCF-style (leftmost placement, unchanged base first): chr3-87262178-CTG-C. GRCh37 (hg19) VCF-style: chr3-87311328-CTG-C.
Other names: c.573_574del, p.Phe191fs (NM_001122757.3); short protein forms F191fs, F165fs.
Identifiers: ClinVar variation 2767806 (VCV002767806.3), dbSNP rs2471787771, ClinGen allele CA2697556778.

ClinVar aggregate classification (germline): Pathogenic (1 of 4 stars; one submission).

Submission:

Labcorp Genetics (formerly Invitae), Labcorp
Classification: Pathogenic. Last evaluated: 2023-10-12. Review status: criteria provided, single submitter. Criteria: Invitae Variant Classification Sherloc (09022015). Collection method: clinical testing. Allele origin: germline.
Comment: This sequence change creates a premature translational stop signal (p.Phe165Leufs*9) in the POU1F1 gene. It is expected to result in an absent or disrupted protein product. Loss-of-function variants in POU1F1 are known to be pathogenic (PMID: 1472057, 9392392, 15844473, 15928241). This variant is not present in population databases (gnomAD no frequency). This variant has not been reported in the literature in individuals affected with POU1F1-related conditions. For these reasons, this variant has been classified as Pathogenic.

Literature cited by the submitters: PubMed 1472057; PubMed 9392392; PubMed 15844473; PubMed 15928241.